The following is an entry in ClinVar:

NM_173500.4(TTBK2):c.451C>T (p.Arg151Cys)

Gene: TTBK2 (tau tubulin kinase 2; minus strand). Cytogenetic location: 15q15.2.
Variant type: single nucleotide variant.
Coding change: c.451C>T on transcript NM_173500.4 (MANE Select); coding-DNA position 451, C replaced by T.
Protein change: p.Arg151Cys; replaces arginine 151 with cysteine.
Molecular consequence: missense variant.
Genome position (GRCh38, 1-based): chr15:42,828,014, G>A on the plus strand (C>T on the coding strand, the complement: TTBK2 is on the minus strand). VCF-style: chr15-42828014-G-A. GRCh37 (hg19) VCF-style: chr15-43120212-G-A.
Other names: short protein forms R151C.
Identifiers: ClinVar variation 2173812 (VCV002173812.4), dbSNP rs368072514, ClinGen allele CA7517474.

ClinVar aggregate classification (germline): Uncertain significance (1 of 4 stars; one submission).

Allele frequency attached by ClinVar (database versions not stated): ExAC 0.00001; gnomAD exomes 0.00001; TOPMed 0.00002; gnomAD 0.00004; ESP Exome Variant Server 0.00008.

Submission:

Labcorp Genetics (formerly Invitae), Labcorp
Classification: Uncertain significance. Last evaluated: 2023-06-20. Review status: criteria provided, single submitter. Criteria: Invitae Variant Classification Sherloc (09022015). Collection method: clinical testing. Allele origin: germline.
Comment: Advanced modeling of protein sequence and biophysical properties (such as structural, functional, and spatial information, amino acid conservation, physicochemical variation, residue mobility, and thermodynamic stability) performed at Invitae indicates that this missense variant is expected to disrupt TTBK2 protein function. In summary, the available evidence is currently insufficient to determine the role of this variant in disease. Therefore, it has been classified as a Variant of Uncertain Significance. ClinVar contains an entry for this variant (Variation ID: 2173812). This variant has not been reported in the literature in individuals affected with TTBK2-related conditions. The frequency data for this variant in the population databases is considered unreliable, as metrics indicate poor data quality at this position in the gnomAD database. This sequence change replaces arginine, which is basic and polar, with cysteine, which is neutral and slightly polar, at codon 151 of the TTBK2 protein (p.Arg151Cys).